The following is an entry in ClinVar:

NM_016239.4(MYO15A):c.6491dup (p.Asn2165fs)

Gene: MYO15A (myosin XVA; plus strand). Cytogenetic location: 17p11.2.
Variant type: Duplication.
Coding change: c.6491dup on transcript NM_016239.4 (MANE Select); coding-DNA position 6491, one base duplicated (T; older notation c.6491dupT).
Protein change: p.Asn2165fs; shifts the reading frame from asparagine 2165.
Molecular consequence: frameshift variant.
Genome position (GRCh38, 1-based): chr17:18,146,089, T duplicated; the last of 2 consecutive T bases (chr17:18,146,088-18,146,089); duplicating either gives the same sequence. VCF-style (leftmost placement, unchanged base first): chr17-18146087-C-CT. GRCh37 (hg19) VCF-style: chr17-18049401-C-CT.
Other names: short protein forms N2165fs.
Identifiers: ClinVar variation 3075969 (VCV003075969.1), dbSNP rs769792093, ClinGen allele CA8424598.

ClinVar aggregate classification (germline): Likely pathogenic (1 of 4 stars; one submission).

Conditions:
Rare genetic deafness. Identifiers: Orphanet 96210, MedGen C5680250.

Submission:

Laboratory for Molecular Medicine, Mass General Brigham Personalized Medicine
Classification: Likely pathogenic for Rare genetic deafness. Last evaluated: 2024-01-05. Review status: criteria provided, single submitter. Criteria: ACMG Guidelines, 2015. Collection method: clinical testing. Allele origin: germline. Inheritance: Autosomal recessive inheritance.
Comment: The p.Asn2165GlnfsX10 variant in MYO15A has not been previously reported in individuals with hearing loss but has been identified in 0.0048% (2/41438) of African chromosomes by gnomAD (v.3.1.2). This variant is predicted to cause a frameshift, which alters the protein’s amino acid sequence beginning at position 2165 and leads to a premature termination codon 10 amino acids downstream. This alteration is then predicted to lead to a truncated or absent protein. Biallelic loss of function of the MYO15A gene is an established disease mechanism in autosomal recessive hearing loss. In summary, although additional studies are required to fully establish its clinical significance, this variant meets criteria to be classified as likely pathogenic for autosomal recessive hearing loss. ACMG/AMP Criteria applied: PVS1, PM2_Supporting.